The following is an entry in ClinVar:

ClinVar aggregate classification (germline): conflicting data from submitters (0 of 4 stars; one submission).

Submission:

ISCA site 1
Classification: conflicting data from submitters. Last evaluated: 2016-02-01. Review status: no assertion criteria provided. Collection method: clinical testing. Allele origin: paternal, unknown, maternal. Affected: yes. Observed: 10 variant alleles. Clinical features observed: Atrial septal defect (HP:0001631), Abnormality of the intestine (HP:0002242), Global developmental delay (HP:0001263), Delayed closure of the anterior fontanelle (HP:0001476), Abnormality of limb bone morphology (HP:0002813), Short finger (HP:0009381), Hypospadias (HP:0000047), Failure to thrive (HP:0001508), Intrauterine growth retardation (HP:0001511), Small for gestational age (HP:0001518), Premature birth (HP:0001622), Patent ductus arteriosus (HP:0001643), and 7 more.
Comment: Uncertain significance(6), Likely benign (4)

Copy number variation identified through the course of routine clinical cytogenomic testing in postnatal populations, with clinical assertions as classified by the original submitter. For data from the original published study, Kaminsky, et al. 2011 (PubMed 21844811), please see nstd101.

GRCh38/hg38 13q12.11(chr13:20222842-20530348)x1

Genes: CRYL1 (crystallin lambda 1; minus strand), GJB6 (gap junction protein beta 6; minus strand), MIR4499 (microRNA 4499; minus strand), LOC112163647 (Sharpr-MPRA regulatory region 6807; plus strand), LOC126861704 (BRD4-independent group 4 enhancer GRCh37_chr13:20953976-20955175; plus strand) and 11 more. Cytogenetic location: 13q12.11.
Variant type: copy number loss.
Change: copy number 1 (one copy instead of two) of chr13:20,222,842-20,530,348 (307.5 kb, GRCh38 coordinates, 1-based), cytogenetic band 13q12.11.
Identifiers: ClinVar variation 153408 (VCV000153408.3).